The following is an entry in ClinVar:

NM_001127222.2(CACNA1A):c.825del (p.Glu276fs)

Gene: CACNA1A (calcium voltage-gated channel subunit alpha1 A; minus strand). Cytogenetic location: 19p13.13.
Variant type: Deletion.
Coding change: c.825del on transcript NM_001127222.2 (MANE Select); coding-DNA position 825, one base deleted (A; older notation c.825delA).
Protein change: p.Glu276fs; shifts the reading frame from glutamic acid 276.
Molecular consequence: frameshift variant.
Genome position (GRCh38, 1-based): chr19:13,359,759, T deleted on the plus strand (A on the coding strand, the reverse complement: CACNA1A is on the minus strand); the first of 2 consecutive T bases (chr19:13,359,759-13,359,760); deleting either gives the same sequence. VCF-style (leftmost placement, unchanged base first): chr19-13359758-CT-C. GRCh37 (hg19) VCF-style: chr19-13470572-CT-C.
Other names: c.825del, p.Glu276fs (NM_000068.4, NM_001127221.2, NM_001174080.2 and 1 more transcripts); short protein forms E276fs.
Identifiers: ClinVar variation 3571478 (VCV003571478.1).
Genomic context (GRCh38, chr19:13,359,758, plus strand): 5'-TGTTGGGCCCTTCCCAGTAGGGCTGACATTTGGTCCCATTGGGGCAGGTGCGGGCGGGCT[CT>C]TCTGTCCCACATGGAGCCGGAGACTCACCCTGAATGTCATCTACAAAAGGGAAGGGGAGA-3'

ClinVar aggregate classification (germline): Pathogenic (1 of 4 stars; one submission).

Submission:

Athena Diagnostics
Classification: Pathogenic. Last evaluated: 2023-11-13. Review status: criteria provided, single submitter. Criteria: Athena Diagnostics Criteria. Collection method: clinical testing. Allele origin: unknown.
Comment: This variant is expected to result in the loss of a functional protein. This variant has been identified in at least one individual tested at Athena Diagnostics with clinical features associated with this gene. This variant has not been reported in large, multi-ethnic general populations.